The following is an entry in ClinVar:

ClinVar aggregate classification (germline): Uncertain significance (1 of 4 stars; one submission).

Submission:

Labcorp Genetics (formerly Invitae), Labcorp
Classification: Uncertain significance. Last evaluated: 2024-11-19. Review status: criteria provided, single submitter. Criteria: Invitae Variant Classification Sherloc (09022015). Collection method: clinical testing. Allele origin: germline.
Comment: This sequence change replaces isoleucine, which is neutral and non-polar, with threonine, which is neutral and polar, at codon 261 of the PIEZO1 protein (p.Ile261Thr). This variant is not present in population databases (gnomAD no frequency). This variant has not been reported in the literature in individuals affected with PIEZO1-related conditions. Invitae Evidence Modeling of protein sequence and biophysical properties (such as structural, functional, and spatial information, amino acid conservation, physicochemical variation, residue mobility, and thermodynamic stability) indicates that this missense variant is not expected to disrupt PIEZO1 protein function with a negative predictive value of 80%. In summary, the available evidence is currently insufficient to determine the role of this variant in disease. Therefore, it has been classified as a Variant of Uncertain Significance.

NM_001142864.4(PIEZO1):c.782T>C (p.Ile261Thr)

Genes: HSALR1 (HSP90AB1 associated lncRNA 1; plus strand), PIEZO1 (piezo type mechanosensitive ion channel component 1 (Er blood group); minus strand). Cytogenetic location: 16q24.3.
Variant type: single nucleotide variant.
Coding change: c.782T>C on transcript NM_001142864.4 (MANE Select); coding-DNA position 782, T replaced by C.
Protein change: p.Ile261Thr; replaces isoleucine 261 with threonine.
Molecular consequence: missense variant. On other transcripts: non-coding transcript variant (1).
Genome position (GRCh38, 1-based): chr16:88,738,293, A>G on the plus strand (T>C on the coding strand, the complement: PIEZO1 is on the minus strand). VCF-style: chr16-88738293-A-G. GRCh37 (hg19) VCF-style: chr16-88804701-A-G.
Other names: short protein forms I261T.
Identifiers: ClinVar variation 3618459 (VCV003618459.2).